The following is an entry in ClinVar:

ClinVar aggregate classification (germline): Pathogenic (1 of 4 stars; one submission).

Conditions:
Glycogen storage disease type III (GSD3). Also called: FORBES DISEASE; Cori disease. Identifiers: Orphanet 366, MedGen C0017922, MONDO:0009291, OMIM 232400.

Submission:

Natera, Inc.
Classification: Pathogenic for Glycogen storage disease type III. Last evaluated: 2024-11-14. Review status: criteria provided, single submitter. Criteria: Natera Variant Classification Schema (03/2026). Collection method: clinical testing. Allele origin: germline.
Comment: The c.293+2T>G variant in AGL is a canonical splice donor site variant predicted to affect pre-mRNA splicing, which may result in an abnormal transcript and altered protein product. This variant is expected to result in nonsense mediated decay, truncation, or a dysfunctional protein product. This variant is rare in the general population with a frequency below the threshold expected for the associated phenotype(s). This variant has been observed in one or more individuals affected with the associated recessive disease, as either homozygous or compound heterozygous with a second variant (PMID: 19834502). Given the available evidence, this variant is classified as Pathogenic.

Literature cited by the submitters: PubMed 19834502.

NM_000642.3(AGL):c.293+2T>G

Gene: AGL (amylo-alpha-1,6-glucosidase and 4-alpha-glucanotransferase; plus strand). Cytogenetic location: 1p21.2.
Variant type: single nucleotide variant.
Coding change: c.293+2T>G on transcript NM_000642.3 (MANE Select); the canonical splice donor site of the intron after coding-DNA position 293, T replaced by G.
Molecular consequence: splice donor variant. On other transcripts: intron variant (1).
Genome position (GRCh38, 1-based): chr1:99,861,715, T>G. VCF-style: chr1-99861715-T-G. GRCh37 (hg19) VCF-style: chr1-100327271-T-G.
Other names: c.293+2T>G (NM_001425329.1, NM_001425325.1, NM_000028.3 and 5 more transcripts); c.83-2671T>G (NM_001425332.1); c.245+2T>G (NM_000646.3).
Identifiers: ClinVar variation 4814440 (VCV004814440.1).
Genomic context (GRCh38, chr1:99,861,715, plus strand): 5'-AAATACTGTAAACTTAATCTGCAACAATCTGGTTCATTTCAGTATTATTTCCTTCAAGGG[T>G]AAGTCAGGTGTTTTGTTTGTGAGAAAAAAAGTTAATTTGTTCTGTAATTTGAAGTCACCT-3'